The following is an entry in ClinVar:

NM_003239.5(TGFB3):c.1183A>C (p.Thr395Pro)

Gene: TGFB3 (transforming growth factor beta 3; minus strand). Cytogenetic location: 14q24.3.
Variant type: single nucleotide variant.
Coding change: c.1183A>C on transcript NM_003239.5 (MANE Select); coding-DNA position 1183, A replaced by C.
Protein change: p.Thr395Pro; replaces threonine 395 with proline.
Molecular consequence: missense variant.
Genome position (GRCh38, 1-based): chr14:75,959,243, T>G on the plus strand (A>C on the coding strand, the complement: TGFB3 is on the minus strand). VCF-style: chr14-75959243-T-G. GRCh37 (hg19) VCF-style: chr14-76425586-T-G.
Other names: c.1183A>C, p.Thr395Pro (NM_001329939.2); short protein forms T395P.
Identifiers: ClinVar variation 579242 (VCV000579242.9), dbSNP rs1566677868, ClinGen allele CA390466859.

ClinVar aggregate classification (germline): Uncertain significance (1 of 4 stars; one submission).

Conditions:
Rienhoff syndrome. Also called: LOEYS-DIETZ SYNDROME 5. Identifiers: MedGen C3810012, MONDO:0014262, OMIM 615582.

Submission:

Labcorp Genetics (formerly Invitae), Labcorp
Classification: Uncertain significance for Rienhoff syndrome. Last evaluated: 2020-09-24. Review status: criteria provided, single submitter. Criteria: Invitae Variant Classification Sherloc (09022015). Collection method: clinical testing. Allele origin: germline.
Comment: This sequence change replaces threonine with proline at codon 395 of the TGFB3 protein (p.Thr395Pro). The threonine residue is moderately conserved and there is a small physicochemical difference between threonine and proline. This variant is not present in population databases (ExAC no frequency). In summary, the available evidence is currently insufficient to determine the role of this variant in disease. Therefore, it has been classified as a Variant of Uncertain Significance. Algorithms developed to predict the effect of missense changes on protein structure and function (SIFT, PolyPhen-2, Align-GVGD) all suggest that this variant is likely to be tolerated, but these predictions have not been confirmed by published functional studies and their clinical significance is uncertain. This variant has not been reported in the literature in individuals with TGFB3-related disease.